The following is an entry in ClinVar:

ClinVar aggregate classification (germline): Uncertain significance (1 of 4 stars; one submission).

Conditions:
Neurodevelopmental disorder with language delay and variable cognitive abnormalities (NEDLC). Identifiers: MedGen C5882689, MONDO:0957779, OMIM 620502.

Allele frequency attached by ClinVar (database versions not stated): gnomAD exomes below 0.00001.
gnomAD v4.1: 1 of 1,612,948 alleles (0.000062%); highest among the groups gnomAD compares: Non-Finnish European, 0.000085%; no homozygotes.

Submission:

Clinical Genomics Laboratory, Washington University in St. Louis
Classification: Uncertain significance for Neurodevelopmental disorder with language delay and variable cognitive abnormalities. Last evaluated: 2024-04-17. Review status: criteria provided, single submitter. Criteria: ACMG Guidelines, 2015. Collection method: clinical testing. Allele origin: germline.
Comment: The GABBR1 c.329G>C (p.Gly110Ala) variant, to our knowledge, has not been reported in the medical literature. This variant is absent from the general population (gnomAD v.2.1.1), indicating it is not a common variant. Computational predictors indicate that the variant is damaging, evidence that correlates with impact to GABBR1 function. Due to limited information, the clinical significance of this variant is uncertain.

NM_001470.4(GABBR1):c.329G>C (p.Gly110Ala)

Gene: GABBR1 (gamma-aminobutyric acid type B receptor subunit 1; minus strand). Cytogenetic location: 6p22.1.
Variant type: single nucleotide variant.
Coding change: c.329G>C on transcript NM_001470.4 (MANE Select); coding-DNA position 329, G replaced by C.
Protein change: p.Gly110Ala; replaces glycine 110 with alanine.
Molecular consequence: missense variant. On other transcripts: 5 prime UTR variant (1), intron variant (1).
Genome position (GRCh38, 1-based): chr6:29,630,604, C>G on the plus strand (G>C on the coding strand, the complement: GABBR1 is on the minus strand). VCF-style: chr6-29630604-C-G. GRCh37 (hg19) VCF-style: chr6-29598381-C-G.
Other names: c.-139G>C (NM_001319053.2); c.289+792G>C (NM_021904.4); short protein forms G110A.
Identifiers: ClinVar variation 3236574 (VCV003236574.1), dbSNP rs2481007993, ClinGen allele CA363036767.